The following is an entry in ClinVar:

ClinVar aggregate classification (germline): Benign/Likely benign. Review status: criteria provided, multiple submitters, no conflicts (2 of 4 stars). 3 submissions from 3 submitters: Benign (1); Likely benign (1). 1 of the submissions does not count toward it. Last evaluated 2026-02-01.

Conditions:
SUN1-related disorder. Also called: SUN1-related condition.
Emery-Dreifuss muscular dystrophy (EDMD). Also called: Scapuloperoneal syndrome, X-linked (formerly); Humeroperoneal neuromuscular disease, (formerly). Identifiers: Orphanet 261, MedGen C0410189, MONDO:0016830.

Allele frequency attached by ClinVar (database versions not stated): 1000 Genomes Project 30x 0.00141; 1000 Genomes Project 0.00160; ExAC 0.00443; gnomAD exomes 0.00465 and 0.00682; gnomAD 0.00490 and 0.00496; TOPMed 0.00538; ESP Exome Variant Server 0.00562.
gnomAD v4.1: 10,753 of 1,614,090 alleles (0.67%); highest among the groups gnomAD compares: Non-Finnish European, 0.79%; 48 homozygotes.

Submissions (3):

Labcorp Genetics (formerly Invitae), Labcorp
Classification: Benign for Emery-Dreifuss muscular dystrophy. Last evaluated: 2026-02-01. Review status: criteria provided, single submitter. Criteria: Invitae Variant Classification Sherloc (09022015). Collection method: clinical testing. Allele origin: germline.

CeGaT Center for Human Genetics Tuebingen
Classification: Likely benign. Last evaluated: 2024-10-01. Review status: criteria provided, single submitter. Criteria: CeGaT Center For Human Genetics Tuebingen Variant Classification Criteria Version 2. Collection method: clinical testing. Allele origin: germline. Affected: yes. Observed: 2 variant alleles.
Comment: SUN1: BP4, BS2

PreventionGenetics, part of Exact Sciences
Classification: Likely benign for SUN1-related condition. Last evaluated: 2019-05-02. Review status: no assertion criteria provided. Collection method: clinical testing. Allele origin: germline. Not counted in ClinVar's aggregate classification.
Comment: This variant is classified as likely benign based on ACMG/AMP sequence variant interpretation guidelines (Richards et al. 2015 PMID: 25741868, with internal and published modifications).

NM_001130965.3(SUN1):c.608C>T (p.Ala203Val)

Gene: SUN1 (Sad1 and UNC84 domain containing 1; plus strand). Cytogenetic location: 7p22.3.
Variant type: single nucleotide variant.
Coding change: c.608C>T on transcript NM_001130965.3 (MANE Select); coding-DNA position 608, C replaced by T.
Protein change: p.Ala203Val; replaces alanine 203 with valine.
Molecular consequence: missense variant. On other transcripts: 5 prime UTR variant (1), non-coding transcript variant (3), intron variant (1).
Genome position (GRCh38, 1-based): chr7:843,470, C>T. VCF-style: chr7-843470-C-T. GRCh37 (hg19) VCF-style: chr7-883107-C-T.
Other names: c.671C>T, p.Ala224Val (NM_001171945.2); c.608C>T, p.Ala203Val (NM_001171946.2, NM_001367633.1, NM_001367634.1 and 32 more transcripts); c.151C>T, p.Arg51Trp (NM_001367635.1); c.458C>T, p.Ala153Val (NM_001367636.1, NM_001367644.1, NM_001367645.1 and 23 more transcripts); c.41C>T, p.Ala14Val (NM_001367639.1, NM_001367708.1); c.827C>T, p.Ala276Val (NM_001367651.1); c.-154C>T (NM_001367658.1); c.635C>T, p.Ala212Val (NM_001367669.1); and 2 more; short protein forms A203V, A140V, A14V, A212V, A153V, A224V, A276V, R51W.
Identifiers: ClinVar variation 461663 (VCV000461663.33), dbSNP rs144929525, ClinGen allele CA4111614.